The following is an entry in ClinVar:

ClinVar aggregate classification (germline): Uncertain significance. Review status: criteria provided, multiple submitters, no conflicts (2 of 4 stars). 2 submissions from 2 submitters: Uncertain significance (2). Last evaluated 2024-11-07.

Conditions:
Neuropathy, hereditary sensory and autonomic, type 2A (HSAN2A). Also called: WNK1-Related HSAN2 (HSAN2A); HSAN IIA; MORVAN DISEASE; NEUROPATHY, CONGENITAL SENSORY; NEUROPATHY, HEREDITARY SENSORY RADICULAR, AUTOSOMAL RECESSIVE; NEUROPATHY, HEREDITARY SENSORY, TYPE IIA. Identifiers: Orphanet 970, MedGen C2752089, MONDO:0024309, OMIM 201300.
Generalized epilepsy with febrile seizures plus, type 7 (GEFSP7). Also called: GEFS+, TYPE 7. Identifiers: Orphanet 36387, MedGen C2751778, MONDO:0013470, OMIM 613863.

gnomAD v4.1: 10 of 1,613,094 alleles (0.00062%); highest among the groups gnomAD compares: Non-Finnish European, 0.00085%; no homozygotes.

Submissions (2):

Blueprint Genetics
Classification: Uncertain significance. Last evaluated: 2024-11-07. Review status: criteria provided, single submitter. Criteria: ACMG Guidelines, 2015. Collection method: clinical testing. Allele origin: germline.

Labcorp Genetics (formerly Invitae), Labcorp
Classification: Uncertain significance for Neuropathy, hereditary sensory and autonomic, type 2A; Generalized epilepsy with febrile seizures plus, type 7. Last evaluated: 2024-06-17. Review status: criteria provided, single submitter. Criteria: Invitae Variant Classification Sherloc (09022015). Collection method: clinical testing. Allele origin: germline.
Comment: This sequence change replaces arginine, which is basic and polar, with proline, which is neutral and non-polar, at codon 26 of the SCN9A protein (p.Arg26Pro). This variant is present in population databases (rs111404258, gnomAD 0.003%). This variant has not been reported in the literature in individuals affected with SCN9A-related conditions. ClinVar contains an entry for this variant (Variation ID: 1037535). Advanced modeling of protein sequence and biophysical properties (such as structural, functional, and spatial information, amino acid conservation, physicochemical variation, residue mobility, and thermodynamic stability) has been performed at Invitae for this missense variant, however the output from this modeling did not meet the statistical confidence thresholds required to predict the impact of this variant on SCN9A protein function. In summary, the available evidence is currently insufficient to determine the role of this variant in disease. Therefore, it has been classified as a Variant of Uncertain Significance.

NM_001365536.1(SCN9A):c.77G>C (p.Arg26Pro)

Gene: SCN9A (sodium voltage-gated channel alpha subunit 9; minus strand). Cytogenetic location: 2q24.3.
Variant type: single nucleotide variant.
Coding change: c.77G>C on transcript NM_001365536.1 (MANE Select); coding-DNA position 77, G replaced by C.
Protein change: p.Arg26Pro; replaces arginine 26 with proline.
Molecular consequence: missense variant.
Genome position (GRCh38, 1-based): chr2:166,311,680, C>G on the plus strand (G>C on the coding strand, the complement: SCN9A is on the minus strand). VCF-style: chr2-166311680-C-G. GRCh37 (hg19) VCF-style: chr2-167168190-C-G.
Other names: c.77G>C, p.Arg26Pro (NM_002977.4); short protein forms R26P.
Identifiers: ClinVar variation 1037535 (VCV001037535.8), dbSNP rs111404258, ClinGen allele CA59810435.